The following is an entry in ClinVar:

ClinVar aggregate classification (germline): Benign. Review status: criteria provided, multiple submitters, no conflicts (2 of 4 stars). 7 submissions from 7 submitters: Benign (5). 2 of the submissions do not count toward it. Last evaluated 2026-02-04.

Conditions:
Immunodeficiency 19 (IMD19). Also called: IMMUNODEFICIENCY 19, SEVERE COMBINED; CD3-DELTA DEFICIENCY; SEVERE COMBINED IMMUNODEFICIENCY, T CELL-NEGATIVE, B CELL-POSITIVE, NK CELL-POSITIVE; SCID, T CELL-NEGATIVE, B CELL-POSITIVE, NK CELL-POSITIVE. Identifiers: MedGen C3810147, MONDO:0014280, OMIM 615617.
Immunodeficiency 104. Also called: IMMUNODEFICIENCY 104, SEVERE COMBINED; Severe combined immunodeficiency, autosomal recessive, T cell-negative, B cell-positive, NK cell-positive; Severe Combined Immune Deficiency, Autosomal Recessive, TCell -Negative, B Cell-Positive, NK Cell-Positive, IL7R-Related; SCID, AUTOSOMAL RECESSIVE, T CELL-NEGATIVE, B CELL-POSITIVE, NK CELL-POSITIVE. Identifiers: MedGen C5676890, MONDO:0012163, OMIM 608971.

Allele frequency attached by ClinVar (database versions not stated): TOPMed 0.59973; ESP Exome Variant Server 0.61407; gnomAD 0.61431 and 0.62029; 1000 Genomes Project 30x 0.61524; 1000 Genomes Project 0.62580; gnomAD exomes 0.67056; ExAC 0.67521.

Submissions (7):

Labcorp Genetics (formerly Invitae), Labcorp
Classification: Benign for Immunodeficiency 19. Last evaluated: 2026-02-04. Review status: criteria provided, single submitter. Criteria: Invitae Variant Classification Sherloc (09022015). Collection method: clinical testing. Allele origin: germline.

Blueprint Genetics
Classification: Benign. Last evaluated: 2024-11-27. Review status: criteria provided, single submitter. Criteria: ACMG Guidelines, 2015. Collection method: clinical testing. Allele origin: germline.

Unidad de Genómica Garrahan, Hospital de Pediatría Garrahan
Classification: Benign. Last evaluated: 2023-11-12. Review status: criteria provided, single submitter. Criteria: ACMG Guidelines, 2015. Collection method: clinical testing. Allele origin: germline. Affected: no. Observed: 75 variant alleles.
Comment: This variant is classified as Benign based on local population frequency. This variant was detected in 78% of patients studied by a panel of primary immunodeficiencies. Number of patients: 75. Only high quality variants are reported.

GeneDx
Classification: Benign. Last evaluated: 2015-03-03. Review status: criteria provided, single submitter. Criteria: GeneDx Variant Classification Process June 2021. Collection method: clinical testing. Allele origin: germline. Affected: yes.

Breakthrough Genomics
Classification: Benign. Review status: criteria provided, single submitter. Criteria: ACMG Guidelines, 2015. Collection method: not provided. Allele origin: germline. Inheritance: Autosomal recessive inheritance. Affected: yes.

Diagnostic Laboratory, Department of Genetics, University Medical Center Groningen
Classification: Benign for Immunodeficiency 104. Review status: no assertion criteria provided. Collection method: clinical testing. Allele origin: germline. Affected: yes. Study: VKGL Data-share Consensus. Not counted in ClinVar's aggregate classification.

Genome Diagnostics Laboratory, University Medical Center Utrecht
Classification: Benign. Review status: no assertion criteria provided. Collection method: clinical testing. Allele origin: germline. Affected: yes. Study: VKGL Data-share Consensus. Not counted in ClinVar's aggregate classification.

NM_000732.6(CD3D):c.451-18T>G

Gene: CD3D (CD3 delta subunit of T-cell receptor complex; minus strand). Cytogenetic location: 11q23.3.
Variant type: single nucleotide variant.
Coding change: c.451-18T>G on transcript NM_000732.6 (MANE Select); 18 bases into the intron before coding-DNA position 451, T replaced by G.
Molecular consequence: intron variant.
Genome position (GRCh38, 1-based): chr11:118,339,245, A>C on the plus strand (T>G on the coding strand, the complement: CD3D is on the minus strand). VCF-style: chr11-118339245-A-C. GRCh37 (hg19) VCF-style: chr11-118209960-A-C.
Other names: c.319-18T>G (NM_001040651.2).
Identifiers: ClinVar variation 518236 (VCV000518236.16), dbSNP rs2276424, ClinGen allele CA6301856.